The following is an entry in ClinVar:

NM_002691.4(POLD1):c.849G>T (p.Gln283His)

Gene: POLD1 (DNA polymerase delta 1, catalytic subunit; plus strand). Cytogenetic location: 19q13.33.
Variant type: single nucleotide variant.
Coding change: c.849G>T on transcript NM_002691.4 (MANE Select); coding-DNA position 849, G replaced by T.
Protein change: p.Gln283His; replaces glutamine 283 with histidine.
Molecular consequence: missense variant. On other transcripts: non-coding transcript variant (1).
Genome position (GRCh38, 1-based): chr19:50,402,620, G>T. VCF-style: chr19-50402620-G-T. GRCh37 (hg19) VCF-style: chr19-50905877-G-T.
Other names: c.849G>T, p.Gln283His (NM_001256849.1, NM_001308632.1); short protein forms Q283H.
Identifiers: ClinVar variation 220697 (VCV000220697.44), dbSNP rs113282414, ClinGen allele CA348006.

ClinVar aggregate classification (germline): Benign/Likely benign. Review status: criteria provided, multiple submitters, no conflicts (2 of 4 stars). 17 submissions from 17 submitters: Benign (10); Likely benign (2). 5 of the submissions do not count toward it. Last evaluated 2026-02-04.

Conditions:
Hereditary cancer-predisposing syndrome. Also called: Tumor predisposition; Hereditary Cancer Syndrome; Neoplastic Syndromes, Hereditary; Hereditary neoplastic syndrome. Identifiers: Orphanet 140162, MedGen C0027672, MeSH D009386, MONDO:0015356.
POLD1-related polyposis and colorectal cancer syndrome (CRCS10). Also called: Colorectal cancer 10; COLORECTAL CANCER, SUSCEPTIBILITY TO, ON CHROMOSOME 19q; Colorectal cancer, susceptibility to, 10. Identifiers: Orphanet 220460, MedGen C2675481, MONDO:0012953, OMIM 612591.
Polymerase proofreading-related adenomatous polyposis. Also called: Polymerase proofreading associated polyposis; Polymerase proofreading–associated polyposis (PPAP). Identifiers: Orphanet 447877, MedGen C5202613, MONDO:0018653.

Allele frequency attached by ClinVar (database versions not stated): gnomAD exomes 0.00095 and 0.00267; ExAC 0.00580; 1000 Genomes Project 0.00978; 1000 Genomes Project 30x 0.00999; gnomAD 0.01085; ESP Exome Variant Server 0.01113; TOPMed 0.01158.
gnomAD v4.1: 2,946 of 1,573,394 alleles (0.19%); highest among the groups gnomAD compares: African/African-American, 3.5%; 40 homozygotes.

Submissions (17):

Labcorp Genetics (formerly Invitae), Labcorp
Classification: Benign for POLD1-related polyposis and colorectal cancer syndrome. Last evaluated: 2026-02-04. Review status: criteria provided, single submitter. Criteria: Invitae Variant Classification Sherloc (09022015). Collection method: clinical testing. Allele origin: germline.

ARUP Laboratories, Molecular Genetics and Genomics, ARUP Laboratories
Classification: Benign. Last evaluated: 2025-05-19. Review status: criteria provided, single submitter. Criteria: ARUP Molecular Germline Variant Investigation Process 2024. Collection method: clinical testing. Allele origin: germline.

Center for Genomic Medicine, Rigshospitalet, Copenhagen University Hospital
Classification: Benign. Last evaluated: 2025-03-04. Review status: criteria provided, single submitter. Criteria: ACMG Guidelines, 2015. Collection method: clinical testing. Allele origin: germline.

Institute for Biomarker Research, Medical Diagnostic Laboratories, L.L.C.
Classification: Benign for Hereditary cancer-predisposing syndrome. Last evaluated: 2025-01-20. Review status: criteria provided, single submitter. Criteria: ACMG Guidelines, 2015. Collection method: clinical testing. Allele origin: germline.
Comment: The missense variant NM_001308632.1(POLD1):c.849G>T (p.Gln283His) has been reported to ClinVar as Benign/Likely benign with a status of (2 stars) criteria provided, multiple submitters, no conflicts (Variation ID 220697 as of 2025-01-02). There is a small physicochemical difference between glutamine and histidine, which is not likely to impact secondary protein structure as these residues share similar properties. The gene POLD1 has a low rate of benign missense variation as indicated by a high missense variants Z-Score of 1.31. The gene POLD1 contains 8 pathogenic missense variants, indicating that missense variants are a common mechanism of disease in this gene. For these reasons, this variant has been classified as Benign

Blueprint Genetics
Classification: Likely benign. Last evaluated: 2024-11-27. Review status: criteria provided, single submitter. Criteria: ACMG Guidelines, 2015. Collection method: clinical testing. Allele origin: germline.

KCCC/NGS Laboratory, Kuwait Cancer Control Center
Classification: Benign for POLD1-related polyposis and colorectal cancer syndrome. Last evaluated: 2023-07-07. Review status: criteria provided, single submitter. Criteria: ACMG Guidelines, 2015. Collection method: clinical testing. Allele origin: germline. Affected: yes.

Myriad Genetics, Inc.
Classification: Likely benign for POLD1-related polyposis and colorectal cancer syndrome. Last evaluated: 2023-04-19. Review status: criteria provided, single submitter. Criteria: Myriad Autosomal Dominant, Autosomal Recessive and X-Linked Classification Criteria (2023). Collection method: clinical testing. Allele origin: unknown.
Comment: This variant is considered likely benign. This variant has been observed at a population frequency that is significantly greater than expected given the associated disease prevalence and penetrance.

Quest Diagnostics Nichols Institute San Juan Capistrano
Classification: Benign. Last evaluated: 2021-10-21. Review status: criteria provided, single submitter. Criteria: Quest Diagnostics criteria. Collection method: clinical testing. Allele origin: unknown.

GeneDx
Classification: Benign. Last evaluated: 2018-05-18. Review status: criteria provided, single submitter. Criteria: GeneDx Variant Classification Process June 2021. Collection method: clinical testing. Allele origin: germline. Affected: yes.
Comment: This variant is associated with the following publications: (PMID: 26249178)

PreventionGenetics, part of Exact Sciences
Classification: Benign. Last evaluated: 2016-10-03. Review status: criteria provided, single submitter. Criteria: ACMG Guidelines, 2015. Collection method: clinical testing. Allele origin: germline.

Women's Health and Genetics/Laboratory Corporation of America, LabCorp
Classification: Benign. Last evaluated: 2016-08-26. Review status: criteria provided, single submitter. Criteria: LabCorp Variant Classification Summary - May 2015. Collection method: clinical testing. Allele origin: germline.
Comment: Variant summary: The POLD1 c.849G>T (p.Gln283His) variant involves the alteration of a non-conserved nucleotide located at ribonuclease H-like domain of the protein (InterPro). 5/5 in silico tools predict a benign outcome for this variant. This variant was found in 197/33948 control chromosomes (3 homozygotes), predominantly observed in the African subpopulation at a frequency of 0.048913 (189/3864). This frequency is about 3443 times the estimated maximal expected allele frequency of a pathogenic POLD1 variant (0.0000142), suggesting this is likely a common benign polymorphism found primarily in the populations of African origin. In addition, one clinical diagnostic laboratory has classified this variant as benign. The variant of interest has not, to our knowledge, been reported in affected individuals via publications. Taken together, this variant is classified as Benign.

Ambry Genetics
Classification: Benign for Hereditary cancer-predisposing syndrome. Last evaluated: 2015-05-21. Review status: criteria provided, single submitter. Criteria: Ambry Variant Classification Scheme 2023. Collection method: clinical testing. Allele origin: germline.

True Health Diagnostics
Classification: Likely benign for Hereditary cancer-predisposing syndrome. Last evaluated: 2017-11-14. Review status: no assertion criteria provided. Collection method: clinical testing. Allele origin: germline. Not counted in ClinVar's aggregate classification.

Counsyl
Classification: Benign for POLD1-related polyposis and colorectal cancer syndrome. Last evaluated: 2016-05-26. Review status: no assertion criteria provided. Collection method: clinical testing. Allele origin: unknown. Not counted in ClinVar's aggregate classification.

Department of Pathology and Laboratory Medicine, Sinai Health System
Classification: Benign for Polymerase proofreading-related adenomatous polyposis. Review status: no assertion criteria provided. Collection method: clinical testing. Allele origin: unknown. Affected: yes. Study: The Canadian Open Genetics Repository (COGR). Not counted in ClinVar's aggregate classification.
Comment: POLD1, EXON8, c.849G>T, p.Gln283His, Heterozygous, BenignrnThe POLD1 p.Gln283His variant was not identified in the literature. The variant was identified in dbSNP (ID: rs113282414) as "With other allele", and in ClinVar (classified as benign by Invitae, Counsyl, Ambry Genetics and four other submitters; as likely benign by two submitters). The variant was identified in control databases in 787 of 211816 chromosomes (15 homozygous) at a frequency of 0.004 increasing the likelihood this could be a low frequency benign variant (Genome Aggregation Database Feb 27, 2017). The variant was observed in the following populations: African in 713 of 18876 chromosomes (freq: 0.04), Other in 7 of 5358 chromosomes (freq: 0.001), Latino in 59 of 26974 chromosomes (freq: 0.002), European in 8 of 91128 chromosomes (freq: 0.00009); it was not observed in the Ashkenazi Jewish, East Asian, Finnish, and South Asian populations. The p.Gln283 residue is not conserved in mammals and computational analyses (PolyPhen-2, SIFT, AlignGVGD, BLOSUM, MutationTaster) do not suggest a high likelihood of impact to the protein; however, this information is not predictive enough to rule out pathogenicity. The variant occurs outside of the splicing consensus sequence and 1 of 4 in silico or computational prediction software programs (SpliceSiteFinder, MaxEntScan, NNSPLICE, GeneSplicer) predict a greater than 10% difference in splicing; this is not very predictive of pathogenicity. In summary, based on the above information this variant meets our laboratory's criteria to be classified as benign.rnAssessment Date: 2019/05/24

Genome Diagnostics Laboratory, Amsterdam University Medical Center
Classification: Benign. Review status: no assertion criteria provided. Collection method: clinical testing. Allele origin: germline. Affected: yes. Study: VKGL Data-share Consensus. Not counted in ClinVar's aggregate classification.

Joint Genome Diagnostic Labs from Nijmegen and Maastricht, Radboudumc and MUMC+
Classification: Benign. Review status: no assertion criteria provided. Collection method: clinical testing. Allele origin: germline. Affected: yes. Study: VKGL Data-share Consensus. Not counted in ClinVar's aggregate classification.